The following is an entry in ClinVar:

NM_001203.3(BMPR1B):c.*1899A>G

Gene: BMPR1B (bone morphogenetic protein receptor type 1B; plus strand). Cytogenetic location: 4q22.3.
Variant type: single nucleotide variant.
Coding change: c.*1899A>G on transcript NM_001203.3 (MANE Select); 1899 bases downstream of the stop codon, A replaced by G.
Molecular consequence: 3 prime UTR variant.
Genome position (GRCh38, 1-based): chr4:95,156,572, A>G. VCF-style: chr4-95156572-A-G. GRCh37 (hg19) VCF-style: chr4-96077723-A-G.
Other names: c.*1899A>G (NM_001256792.2, NM_001256793.2, NM_001256794.1).
Identifiers: ClinVar variation 350154 (VCV000350154.5), dbSNP rs372385843, ClinGen allele CA10619634.

ClinVar aggregate classification (germline): Benign (1 of 4 stars; one submission).

Conditions:
Brachydactyly. Also called: Brachydactyly syndrome; Brachydactyly (disease). Identifiers: MedGen C0221357, MONDO:0021004, HP:0001156.

Allele frequency attached by ClinVar (database versions not stated): 1000 Genomes Project 0.00040; 1000 Genomes Project 30x 0.00047; TOPMed 0.00122; gnomAD 0.00146 and 0.00153.

Submission:

Illumina Laboratory Services, Illumina
Classification: Benign for Brachydactyly. Last evaluated: 2018-01-13. Review status: criteria provided, single submitter. Criteria: ICSL Variant Classification Criteria 13 December 2019. Collection method: clinical testing. Allele origin: germline.
Comment: This variant was observed in the ICSL laboratory as part of a predisposition screen in an ostensibly healthy population. It had not been previously curated by ICSL or reported in the Human Gene Mutation Database (HGMD: prior to June 1st, 2018), and was therefore a candidate for classification through an automated scoring system. Utilizing variant allele frequency, disease prevalence and penetrance estimates, and inheritance mode, an automated score was calculated to assess if this variant is too frequent to cause the disease. Based on the score and internal cut-off values, a variant classified as benign is not then subjected to further curation. The score for this variant resulted in a classification of benign for this disease.